The following is an entry in ClinVar:

ClinVar aggregate classification (germline): Uncertain significance (1 of 4 stars; one submission).

Conditions:
Multiple endocrine neoplasia, type 2 (MEN2). Identifiers: Orphanet 653, MedGen C4048306, MONDO:0019003. Disease mechanism: gain of function.

Submission:

Labcorp Genetics (formerly Invitae), Labcorp
Classification: Uncertain significance for Multiple endocrine neoplasia, type 2. Last evaluated: 2025-02-17. Review status: criteria provided, single submitter. Criteria: Invitae Variant Classification Sherloc (09022015). Collection method: clinical testing. Allele origin: germline.
Comment: This sequence change replaces leucine, which is neutral and non-polar, with glutamine, which is neutral and polar, at codon 318 of the RET protein (p.Leu318Gln). This variant is not present in population databases (gnomAD no frequency). This variant has not been reported in the literature in individuals affected with RET-related conditions. An algorithm developed to predict the effect of missense changes on protein structure and function (PolyPhen-2) suggests that this variant is likely to be disruptive. In summary, the available evidence is currently insufficient to determine the role of this variant in disease. Therefore, it has been classified as a Variant of Uncertain Significance.

NM_020975.6(RET):c.953T>A (p.Leu318Gln)

Gene: RET (ret proto-oncogene; plus strand). Cytogenetic location: 10q11.21.
Variant type: single nucleotide variant.
Coding change: c.953T>A on transcript NM_020975.6 (MANE Select); coding-DNA position 953, T replaced by A.
Protein change: p.Leu318Gln; replaces leucine 318 with glutamine.
Molecular consequence: missense variant. On other transcripts: intron variant (25).
Genome position (GRCh38, 1-based): chr10:43,106,461, T>A. VCF-style: chr10-43106461-T-A. GRCh37 (hg19) VCF-style: chr10-43601909-T-A.
Other names: c.191T>A, p.Leu64Gln (NM_001355216.2); c.953T>A, p.Leu318Gln (NM_001406743.1, NM_001406744.1, NM_001406759.1 and 4 more transcripts); c.824T>A, p.Leu275Gln (NM_001406761.1, NM_001406762.1, NM_001406764.1 and 1 more transcripts); c.665T>A, p.Leu222Gln (NM_001406766.1, NM_001406767.1, NM_001406770.1); c.867+1268T>A (NM_001406772.1, NM_001406769.1); c.626-2570T>A (NM_001406773.1, NM_001406771.1); c.625+3832T>A (NM_001406782.1, NM_001406780.1, NM_001406779.1 and 3 more transcripts); c.738+1268T>A (NM_001406774.1); and 5 more; short protein forms L275Q, L318Q, L222Q, L64Q.
Identifiers: ClinVar variation 4708756 (VCV004708756.1).